The following is an entry in ClinVar:

ClinVar aggregate classification (germline): Pathogenic (1 of 4 stars; one submission).

Conditions:
Familial intrahepatic cholestasis. Identifiers: Orphanet 284385, MedGen CN296401, MONDO:0017290.

gnomAD v4.1: 1 of 1,604,882 alleles (0.000062%); highest among the groups gnomAD compares: Non-Finnish European, 0.000085%; no homozygotes.

Submission:

Genomenon, Inc
Classification: Pathogenic for Familial intrahepatic cholestasis. Last evaluated: 2026-04-14. Review status: criteria provided, single submitter. Criteria: Genomenon Sequence Variant Interpretation Standards - Updated. Collection method: curation. Allele origin: germline. Affected: yes.
Comment: ABCB11 p.Gln867Ter (c.2599C>T) is a nonsense variant that introduces a premature stop codon at amino acid position 867, creating a truncated protein that is predicted to undergo nonsense-mediated mRNA decay. This variant has been observed in at least one proband with an ABCB11-related disorder (PMID:38665279). It is absent or not present at a significant frequency in gnomAD. In conclusion, we classify ABCB11 p.Gln867Ter (c.2599C>T) as a pathogenic variant.

Literature cited by the submitters: PubMed 38665279.

NM_003742.4(ABCB11):c.2599C>T (p.Gln867Ter)

Gene: ABCB11 (ATP binding cassette subfamily B member 11; minus strand). Cytogenetic location: 2q31.1.
Variant type: single nucleotide variant.
Coding change: c.2599C>T on transcript NM_003742.4 (MANE Select); coding-DNA position 2599, C replaced by T.
Protein change: p.Gln867Ter; replaces glutamine 867 with a stop codon.
Molecular consequence: nonsense.
Genome position (GRCh38, 1-based): chr2:168,944,616, G>A on the plus strand (C>T on the coding strand, the complement: ABCB11 is on the minus strand). VCF-style: chr2-168944616-G-A. GRCh37 (hg19) VCF-style: chr2-169801126-G-A.
Other names: short protein forms Q867*.
Identifiers: ClinVar variation 4846137 (VCV004846137.1).